The following is an entry in ClinVar:

ClinVar aggregate classification (germline): Uncertain significance (1 of 4 stars; one submission).

Conditions:
STING-associated vasculopathy with onset in infancy. Also called: Sting-associated vasculopathy, infantile-onset. Identifiers: Orphanet 425120, MedGen C4014722, MONDO:0014405, OMIM 615934.

Allele frequency attached by ClinVar (database versions not stated): gnomAD exomes 0.00001; ExAC 0.00002.

Submission:

Labcorp Genetics (formerly Invitae), Labcorp
Classification: Uncertain significance for STING-associated vasculopathy with onset in infancy. Last evaluated: 2022-06-08. Review status: criteria provided, single submitter. Criteria: Invitae Variant Classification Sherloc (09022015). Collection method: clinical testing. Allele origin: germline.
Comment: In summary, the available evidence is currently insufficient to determine the role of this variant in disease. Therefore, it has been classified as a Variant of Uncertain Significance. Variants that disrupt the consensus splice site are a relatively common cause of aberrant splicing (PMID: 17576681, 9536098). Algorithms developed to predict the effect of sequence changes on RNA splicing suggest that this variant may disrupt the consensus splice site. This variant has not been reported in the literature in individuals affected with TMEM173-related conditions. This variant is present in population databases (rs759735680, gnomAD 0.007%). This sequence change falls in intron 4 of the TMEM173 gene. It does not directly change the encoded amino acid sequence of the TMEM173 protein. It affects a nucleotide within the consensus splice site.

Literature cited by the submitters: PubMed 17576681; PubMed 9536098.

NM_198282.4(STING1):c.411+3A>G

Genes: STING1 (stimulator of interferon response cGAMP interactor 1; minus strand), LOC123522803 (Sharpr-MPRA regulatory region 11914; plus strand). Cytogenetic location: 5q31.2.
Variant type: single nucleotide variant.
Coding change: c.411+3A>G on transcript NM_198282.4 (MANE Select); 3 bases into the intron after coding-DNA position 411, A replaced by G.
Molecular consequence: intron variant.
Genome position (GRCh38, 1-based): chr5:139,481,156, T>C on the plus strand (A>G on the coding strand, the complement: STING1 is on the minus strand). VCF-style: chr5-139481156-T-C. GRCh37 (hg19) VCF-style: chr5-138860741-T-C.
Other names: c.54+3A>G (NM_001367258.1); c.411+3A>G (NM_001301738.2).
Identifiers: ClinVar variation 2003260 (VCV002003260.4), dbSNP rs759735680, ClinGen allele CA3435425.
Genomic context (GRCh38, chr5:139,481,156, plus strand): 5'-GGGCAGGTCACACCAGCCACAGCCACCACTTGGCCAGAGCTTCTACCTCCCCCTGTGTCA[T>C]ACCTTGAGGCCCAGGAGGATGTTCAGTGCCTGCGAGAGGCCCAGGAGGGCAAGCATCCAA-3'